The following is an entry in ClinVar:

ClinVar aggregate classification (germline): Uncertain significance (1 of 4 stars; one submission).

Allele frequency attached by ClinVar (database versions not stated): gnomAD exomes below 0.00001; gnomAD 0.00001.
gnomAD v4.1: 2 of 1,586,492 alleles (0.00013%); highest among the groups gnomAD compares: Admixed American, 0.0037%; no homozygotes.

Submission:

Labcorp Genetics (formerly Invitae), Labcorp
Classification: Uncertain significance. Last evaluated: 2022-05-04. Review status: criteria provided, single submitter. Criteria: Invitae Variant Classification Sherloc (09022015). Collection method: clinical testing. Allele origin: germline.
Comment: This sequence change replaces serine, which is neutral and polar, with cysteine, which is neutral and slightly polar, at codon 1509 of the RTTN protein (p.Ser1509Cys). This variant is not present in population databases (gnomAD no frequency). This variant has not been reported in the literature in individuals affected with RTTN-related conditions. Algorithms developed to predict the effect of missense changes on protein structure and function are either unavailable or do not agree on the potential impact of this missense change (SIFT: "Tolerated"; PolyPhen-2: "Possibly Damaging"; Align-GVGD: "Class C0"). In summary, the available evidence is currently insufficient to determine the role of this variant in disease. Therefore, it has been classified as a Variant of Uncertain Significance.

NM_173630.4(RTTN):c.4526C>G (p.Ser1509Cys)

Gene: RTTN (rotatin; minus strand). Cytogenetic location: 18q22.2.
Variant type: single nucleotide variant.
Coding change: c.4526C>G on transcript NM_173630.4 (MANE Select); coding-DNA position 4526, C replaced by G.
Protein change: p.Ser1509Cys; replaces serine 1509 with cysteine.
Molecular consequence: missense variant.
Genome position (GRCh38, 1-based): chr18:70,075,390, G>C on the plus strand (C>G on the coding strand, the complement: RTTN is on the minus strand). VCF-style: chr18-70075390-G-C. GRCh37 (hg19) VCF-style: chr18-67742626-G-C.
Other names: c.1790C>G, p.Ser597Cys (NM_001318520.2); short protein forms S1509C, S597C.
Identifiers: ClinVar variation 1484402 (VCV001484402.6), dbSNP rs2058400959, ClinGen allele CA402680787.